The following is an entry in ClinVar:

NM_058216.3(RAD51C):c.93del (p.Phe32fs)

Gene: RAD51C (RAD51 paralog C; plus strand). Cytogenetic location: 17q22.
Variant type: Deletion.
Coding change: c.93del on transcript NM_058216.3 (MANE Select); coding-DNA position 93, one base deleted (G; older notation c.93delG).
Protein change: p.Phe32fs; shifts the reading frame from phenylalanine 32.
Molecular consequence: frameshift variant. On other transcripts: non-coding transcript variant (1).
Genome position (GRCh38, 1-based): chr17:58,692,736, G deleted; the last of 4 consecutive G bases (chr17:58,692,733-58,692,736); deleting any one gives the same sequence. VCF-style (leftmost placement, unchanged base first): chr17-58692732-CG-C. GRCh37 (hg19) VCF-style: chr17-56770093-CG-C.
Other names: c.93del (NM_058216.1); c.93del, p.Phe32fs (NM_002876.4); c.93delG (NM_058216.3); short protein forms F32fs.
Identifiers: ClinVar variation 182847 (VCV000182847.64), dbSNP rs730881942, ClinGen allele CA333753.
Genomic context (GRCh38, chr17:58,692,732, plus strand): 5'-TGCAGCGGGATTTGGTGAGTTTCCCGCTGTCTCCAGCGGTGCGGGTGAAGCTGGTGTCTG[CG>C]GGGTTCCAGACTGCTGAGGAACTCCTAGAGGTGAAACCCTCCGAGCTTAGCAAAGGTAAC-3'

ClinVar aggregate classification (germline): Pathogenic/Likely pathogenic. Review status: criteria provided, multiple submitters, no conflicts (2 of 4 stars). 20 submissions from 20 submitters: Pathogenic (15); Likely pathogenic (1). 4 of the submissions do not count toward it. Last evaluated 2026-02-10.

Conditions:
RAD51C-related cancer predisposition. Identifiers: MedGen CN377762, MONDO:0700273.
Inherited ovarian cancer (without breast cancer).
RAD51C-related disorder. Also called: RAD51C-related condition; RAD51C-related disorders.
Fanconi anemia complementation group O. Also called: RAD51C-Related Fanconi Anemia. Identifiers: Orphanet 84, MedGen C3150653, MONDO:0013248, OMIM 613390.
Breast-ovarian cancer, familial, susceptibility to, 3. Also called: RAD51C-Related Breast/Ovarian Cancer. Identifiers: Orphanet 145, MedGen C3150659, MONDO:0013253, OMIM 613399.
Hereditary cancer-predisposing syndrome. Also called: Tumor predisposition; Neoplastic Syndromes, Hereditary; Hereditary neoplastic syndrome; Hereditary Cancer Syndrome. Identifiers: Orphanet 140162, MedGen C0027672, MeSH D009386, MONDO:0015356.
Hereditary breast ovarian cancer syndrome. Also called: Hereditary breast and ovarian cancer syndrome; Hereditary breast and ovarian cancer syndrome (HBOC); Hereditary breast and ovarian cancer; Breast and ovarian cancer; BRCA1- and BRCA2-Associated Hereditary Breast and Ovarian Cancer; Hereditary breast and/or ovarian cancer syndrome. Identifiers: Orphanet 145, MedGen C0677776, MeSH D061325, MONDO:0003582. Disease mechanism: loss of function.
Ovarian neoplasm. Also called: Neoplasm of ovary; Ovarian tumor; Ovarian Neoplasms. Identifiers: MedGen C0919267, MeSH D010051, MONDO:0021068, HP:0100615.

Submissions 1 to 10 of 20:

Dasa
Classification: Pathogenic. Last evaluated: 2026-02-10. Review status: criteria provided, single submitter. Criteria: DASA Assertion Criteria. Collection method: clinical testing. Allele origin: germline.
Comment: NM_058216.3(RAD51C):c.93del (p.Phe32Serfs*8) is a frameshift variant in RAD51C predicted to alter the reading frame and introduce a premature termination codon and is predicted to result in an absent or altered protein product. Loss of function is an established disease mechanism for RAD51C (PMID: 21990120; PMID: 24800917; PMID: 20400964). This variant has been reported in individuals with RAD51C-related disorders (PMID: 21616938). Segregation data support an association with disease in the reported family/families (PMID: 21616938). Also, this variant is rare in population databases. Based on the currently available evidence, this variant is classified as pathogenic.

Labcorp Genetics (formerly Invitae), Labcorp
Classification: Pathogenic for Fanconi anemia complementation group O. Last evaluated: 2026-01-12. Review status: criteria provided, single submitter. Criteria: Invitae Variant Classification Sherloc (09022015). Collection method: clinical testing. Allele origin: germline.
Comment: This sequence change creates a premature translational stop signal (p.Phe32Serfs*8) in the RAD51C gene. It is expected to result in an absent or disrupted protein product. Loss-of-function variants in RAD51C are known to be pathogenic (PMID: 20400964, 21990120, 24800917, 29278735). The frequency data for this variant in the population databases is considered unreliable, as metrics indicate poor data quality at this position in the gnomAD database. This premature translational stop signal has been observed in individual(s) with breast and/or ovarian cancer, prostate cancer (PMID: 21616938, 27433846). It is commonly reported in individuals of Finnish ancestry (PMID: 21616938, 24800917, 27433846). ClinVar contains an entry for this variant (Variation ID: 182847). For these reasons, this variant has been classified as Pathogenic.

Clinical Genetics Laboratory, Skane University Hospital Lund
Classification: Pathogenic for RAD51C-related cancer predisposition. Last evaluated: 2025-11-25. Review status: criteria provided, single submitter. Criteria: ACMG Guidelines, 2015. Collection method: clinical testing. Allele origin: germline. Affected: yes.
Comment: ACMG criteria: PVS1, PS4 and PM2.

Ambry Genetics
Classification: Pathogenic for Hereditary cancer-predisposing syndrome. Last evaluated: 2025-04-22. Review status: criteria provided, single submitter. Criteria: Ambry Variant Classification Scheme 2023. Collection method: clinical testing. Allele origin: germline.
Comment: The c.93delG pathogenic mutation, located in coding exon 1 of the RAD51C gene, results from a deletion of one nucleotide at position 93, causing a translational frameshift with a predicted alternate stop codon (p.F32Sfs*8). This mutation has been identified in a Finnish breast/ovarian cancer kindred as well as multiple ovarian cancer only families to date (Pelttari LM et al. Hum. Mol. Genet. 2011 Aug;20:3278-88). This same group did not find the c.93delG alteration in a group of 1083 prostate cancer patients and 802 colorectal cancer patients, leading the authors to conclude that this mutation does not predispose to prostate or colorectal cancer (Pelttari LM et al. BMC Cancer. 2012;12:552). In a different prostate cancer cohort, this alteration was identified in 1/692 men with metastatic prostate cancer who were unselected for family history of cancer or age at diagnosis (Pritchard CC et al. N. Engl. J. Med. 2016 Aug;375:443-53). In addition, this alteration was identified in 2/10030 consecutive patients referred for evaluation by an NGS hereditary cancer panel (Susswein LR et al. Genet. Med. 2016 08;18:823-32). In addition to the clinical data presented in the literature, this alteration is expected to result in loss of function by premature protein truncation or nonsense-mediated mRNA decay. As such, this alteration is interpreted as a disease-causing mutation.

Women's Health and Genetics/Laboratory Corporation of America, LabCorp
Classification: Pathogenic for Hereditary breast ovarian cancer syndrome. Last evaluated: 2025-03-05. Review status: criteria provided, single submitter. Criteria: LabCorp Variant Classification Summary - May 2015. Collection method: clinical testing. Allele origin: germline.
Comment: Variant summary: RAD51C c.93delG (p.Phe32SerfsX8) results in a premature termination codon, predicted to cause absence of the protein due to nonsense mediated decay, which is a commonly known mechanism for disease. The variant allele was found at a frequency of 5.5e-05 in 255636 control chromosomes. This frequency is not significantly higher than estimated for a pathogenic variant in RAD51C causing Hereditary Breast And Ovarian Cancer Syndrome (5.5e-05 vs 6.3e-05), allowing no conclusion about variant significance. This variant has also been reported in multiple families and individuals with breast and/or ovarian cancer and based on haplotype analysis authors concluded that it is likely a founder mutation in the Finnish population that is associated with moderate-to-high risk susceptibility for ovarian cancer (Pelttari 2011). The founder effect can also explain the higher occurrence of the variant in this population (gnomAD 5/22298 Finnish European). The variant was also found in a patient with ovarian cancer in a different population (Susswein 2016). Truncations downstream of this position have been classified as pathogenic by our laboratory (e.g. c.97C>T (p.Gln33X), c.397C>T (p.Gln133X), c.577C>T (p.Arg193X)). To our knowledge, no experimental evidence demonstrating an impact on protein function has been reported. The following publications have been ascertained in the context of this evaluation (PMID: 26681312, 21616938, 26556299, 27433846). ClinVar contains an entry for this variant (Variation ID: 182847). Based on the evidence outlined above, the variant was classified as pathogenic.

Genomics and Molecular Medicine Service, East Genomic Laboratory Hub, NHS Genomic Medicine Service
Classification: Likely pathogenic for Inherited ovarian cancer (without breast cancer). Last evaluated: 2024-09-30. Review status: criteria provided, single submitter. Criteria: ACGS Best Practice Guidelines for Variant Classification in Rare Disease 2020. Collection method: clinical testing. Allele origin: germline. Affected: yes.
Comment: PVS1,PM5_Supporting

Blueprint Genetics
Classification: Pathogenic for RAD51C-related disorders. Last evaluated: 2024-04-23. Review status: criteria provided, single submitter. Criteria: ACMG Guidelines, 2015. Collection method: clinical testing. Allele origin: germline. Affected: yes. Observed: 5 variant alleles.

Color Diagnostics, LLC DBA Color Health
Classification: Pathogenic for Hereditary cancer-predisposing syndrome. Last evaluated: 2024-04-09. Review status: criteria provided, single submitter. Criteria: ACMG Guidelines, 2015. Collection method: clinical testing. Allele origin: germline.
Comment: This variant deletes 1 nucleotide in exon 1 of the RAD51C gene, creating a frameshift and premature translation stop signal. This variant is expected to result in an absent or non-functional protein product. This variant has been reported in individuals affected with breast cancer and/or ovarian cancer with family history of cancer (PMID: 21616938, 37563628). This variant has also been observed in an individual with prostate cancer (PMID: 27433846). This variant has been identified in 13/282860 chromosomes in the general population by the Genome Aggregation Database (gnomAD). Loss of RAD51C function is a known mechanism of disease. Based on the available evidence, this variant is classified as Pathogenic.

Quest Diagnostics Nichols Institute San Juan Capistrano
Classification: Pathogenic. Last evaluated: 2023-12-09. Review status: criteria provided, single submitter. Criteria: Quest Diagnostics criteria. Collection method: clinical testing. Allele origin: unknown.
Comment: The RAD51C c.93del (p.Phe32Serfs*8) variant alters the translational reading frame of the RAD51C mRNA and causes the premature termination of RAD51C protein synthesis. This variant has been reported in the published literature in individuals affected with prostate cancer (PMID: 27433846 (2016)), or breast and/or ovarian cancer (PMIDs: 24800917 (2014), 21616938 (2011)). The frequency of this variant in the general population, 0.000004 (1/251464 chromosomes (Genome Aggregation Database)), is consistent with pathogenicity. Based on the available information, this variant is classified as pathogenic.

Baylor Genetics
Classification: Pathogenic for Breast-ovarian cancer, familial, susceptibility to, 3. Last evaluated: 2023-11-26. Review status: criteria provided, single submitter. Criteria: ACMG Guidelines, 2015. Collection method: clinical testing. Allele origin: unknown.